The following is an entry in ClinVar:

NM_004281.4(BAG3):c.1286T>C (p.Leu429Pro)

Gene: BAG3 (BAG cochaperone 3; plus strand). Cytogenetic location: 10q26.11.
Variant type: single nucleotide variant.
Coding change: c.1286T>C on transcript NM_004281.4 (MANE Select); coding-DNA position 1286, T replaced by C.
Protein change: p.Leu429Pro; replaces leucine 429 with proline.
Molecular consequence: missense variant.
Genome position (GRCh38, 1-based): chr10:119,676,840, T>C. VCF-style: chr10-119676840-T-C. GRCh37 (hg19) VCF-style: chr10-121436352-T-C.
Other names: short protein forms L429P.
Identifiers: ClinVar variation 1008976 (VCV001008976.9), dbSNP rs1847244354, ClinGen allele CA378296989.

ClinVar aggregate classification (germline): Uncertain significance (1 of 4 stars; one submission).

Conditions:
Myofibrillar myopathy 6. Identifiers: Orphanet 199340, MedGen C2751831, MONDO:0013061, OMIM 612954.
Dilated cardiomyopathy 1HH (CMD1HH). Identifiers: Orphanet 154, MedGen C3151293, MONDO:0013479, OMIM 613881.

Submission:

Labcorp Genetics (formerly Invitae), Labcorp
Classification: Uncertain significance for Dilated cardiomyopathy 1HH; Myofibrillar myopathy 6. Last evaluated: 2020-03-02. Review status: criteria provided, single submitter. Criteria: Invitae Variant Classification Sherloc (09022015). Collection method: clinical testing. Allele origin: germline.
Comment: This sequence change replaces leucine with proline at codon 429 of the BAG3 protein (p.Leu429Pro). The leucine residue is moderately conserved and there is a moderate physicochemical difference between leucine and proline. This variant is not present in population databases (ExAC no frequency). This variant has not been reported in the literature in individuals with BAG3-related conditions. In summary, the available evidence is currently insufficient to determine the role of this variant in disease. Therefore, it has been classified as a Variant of Uncertain Significance.